The following is an entry in ClinVar:

NM_006912.6(RIT1):c.211C>G (p.Leu71Val)

Gene: RIT1 (Ras like without CAAX 1; minus strand). Cytogenetic location: 1q22.
Variant type: single nucleotide variant.
Coding change: c.211C>G on transcript NM_006912.6 (MANE Select); coding-DNA position 211, C replaced by G.
Protein change: p.Leu71Val; replaces leucine 71 with valine.
Molecular consequence: missense variant.
Genome position (GRCh38, 1-based): chr1:155,904,757, G>C on the plus strand (C>G on the coding strand, the complement: RIT1 is on the minus strand). VCF-style: chr1-155904757-G-C. GRCh37 (hg19) VCF-style: chr1-155874548-G-C.
Other names: c.211C>G (NM_006912.5, NM_006912.4); c.103C>G, p.Leu35Val (NM_001256820.2); c.262C>G, p.Leu88Val (NM_001256821.2); short protein forms L88V, L35V, L71V.
Identifiers: ClinVar variation 2996697 (VCV002996697.5), dbSNP rs777167776, ClinGen allele CA1151861.
Genomic context (GRCh38, chr1:155,904,757, plus strand): 5'-AAGCCTTTACTCATAACATTCTGGGATTTAATACCTGTCCAGCTGTATCCAAAATGTCCA[G>C]ATTGGCAGGCTCATCATCAATACGGATCCTGATCTTATAAGCATCTTCTACAGGAGGGAA-3'
Protein context (NP_008843.1, residues 61-81): RIRIDDEPAN[Leu71Val]DILDTAGQAE

ClinVar aggregate classification (germline): Uncertain significance. Review status: criteria provided, multiple submitters, no conflicts (2 of 4 stars). 3 submissions from 3 submitters: Uncertain significance (3). Last evaluated 2025-11-25.

Conditions:
Noonan syndrome 8 (NS8). Identifiers: Orphanet 648, MedGen C3809233, MONDO:0014143, OMIM 615355.
Cardiovascular phenotype. Identifiers: MedGen CN230736.

Allele frequency attached by ClinVar (database versions not stated): gnomAD exomes below 0.00001; ExAC 0.00001.
gnomAD v4.1: 3 of 1,612,548 alleles (0.00019%); highest among the groups gnomAD compares: Non-Finnish European, 0.00017%; no homozygotes.

Submissions (3):

Ambry Genetics
Classification: Uncertain significance for Cardiovascular phenotype. Last evaluated: 2025-11-25. Review status: criteria provided, single submitter. Criteria: Ambry Variant Classification Scheme 2023. Collection method: clinical testing. Allele origin: germline.
Comment: The p.L71V variant (also known as c.211C>G), located in coding exon 3 of the RIT1 gene, results from a C to G substitution at nucleotide position 211. The leucine at codon 71 is replaced by valine, an amino acid with highly similar properties. This amino acid position is conserved. In addition, the in silico prediction for this alteration is inconclusive. Based on the available evidence, the clinical significance of this variant remains unclear.

GeneDx
Classification: Uncertain significance. Last evaluated: 2024-03-06. Review status: criteria provided, single submitter. Criteria: GeneDx Variant Classification Process June 2021. Collection method: clinical testing. Allele origin: germline. Affected: yes.
Comment: In silico analysis supports that this missense variant has a deleterious effect on protein structure/function; Has not been previously published as pathogenic or benign to our knowledge

Labcorp Genetics (formerly Invitae), Labcorp
Classification: Uncertain significance for Noonan syndrome 8. Last evaluated: 2023-08-11. Review status: criteria provided, single submitter. Criteria: Invitae Variant Classification Sherloc (09022015). Collection method: clinical testing. Allele origin: germline.
Comment: This sequence change replaces leucine, which is neutral and non-polar, with valine, which is neutral and non-polar, at codon 71 of the RIT1 protein (p.Leu71Val). This variant is present in population databases (rs777167776, gnomAD 0.01%). This variant has not been reported in the literature in individuals affected with RIT1-related conditions. Advanced modeling of protein sequence and biophysical properties (such as structural, functional, and spatial information, amino acid conservation, physicochemical variation, residue mobility, and thermodynamic stability) performed at Invitae indicates that this missense variant is expected to disrupt RIT1 protein function. In summary, the available evidence is currently insufficient to determine the role of this variant in disease. Therefore, it has been classified as a Variant of Uncertain Significance.